The following is an entry in ClinVar:

NM_005334.3(HCFC1):c.4426G>A (p.Val1476Met)

Genes: HCFC1 (host cell factor C1; minus strand), LOC130068842 (ATAC-STARR-seq lymphoblastoid active region 30044; plus strand). Cytogenetic location: Xq28.
Variant type: single nucleotide variant.
Coding change: c.4426G>A on transcript NM_005334.3 (MANE Select); coding-DNA position 4426, G replaced by A.
Protein change: p.Val1476Met; replaces valine 1476 with methionine.
Molecular consequence: missense variant.
Genome position (GRCh38, 1-based): chrX:153,953,678, C>T on the plus strand (G>A on the coding strand, the complement: HCFC1 is on the minus strand). VCF-style: chrX-153953678-C-T. GRCh37 (hg19) VCF-style: chrX-153219129-C-T.
Other names: short protein forms V1476M.
Identifiers: ClinVar variation 807851 (VCV000807851.46), dbSNP rs781961897, ClinGen allele CA10556994.

ClinVar aggregate classification (germline): Conflicting classifications of pathogenicity. Review status: criteria provided, conflicting classifications (1 of 4 stars). 3 submissions from 3 submitters: Uncertain significance (1); Benign (1); Likely benign (1). Last evaluated 2024-12-01.

Conditions:
Methylmalonic acidemia with homocystinuria, type cblX (MAHCX). Also called: INTELLECTUAL DEVELOPMENTAL DISORDER, X-LINKED 3. Identifiers: Orphanet 369962, MedGen C0796208, MONDO:0010657, OMIM 309541.

Allele frequency attached by ClinVar (database versions not stated): gnomAD 0.00002 and 0.00004; gnomAD exomes 0.00002 and 0.00003; ExAC 0.00006; TOPMed 0.00006; 1000 Genomes Project 30x 0.00021; 1000 Genomes Project 0.00026.
gnomAD v4.1: 29 of 1,209,184 alleles (0.0024%); highest among the groups gnomAD compares: South Asian, 0.0088%; 1 homozygote.

Submissions (3):

CeGaT Center for Human Genetics Tuebingen
Classification: Likely benign. Last evaluated: 2024-12-01. Review status: criteria provided, single submitter. Criteria: CeGaT Center For Human Genetics Tuebingen Variant Classification Criteria Version 2. Collection method: clinical testing. Allele origin: germline. Affected: yes. Observed: 3 variant alleles.
Comment: HCFC1: BS2

Labcorp Genetics (formerly Invitae), Labcorp
Classification: Benign for Methylmalonic acidemia with homocystinuria, type cblX. Last evaluated: 2023-11-15. Review status: criteria provided, single submitter. Criteria: Invitae Variant Classification Sherloc (09022015). Collection method: clinical testing. Allele origin: germline.

Blueprint Genetics
Classification: Uncertain significance. Last evaluated: 2019-07-08. Review status: criteria provided, single submitter. Criteria: ACMG Guidelines, 2015. Collection method: clinical testing. Allele origin: germline.